The following is an entry in ClinVar:

ClinVar aggregate classification (germline): Benign (1 of 4 stars; one submission).

Conditions:
Vitreoretinopathy. Also called: Vitreoretinal degeneration. Identifiers: MedGen C0344290, MONDO:0020248, HP:0007773.

Allele frequency attached by ClinVar (database versions not stated): gnomAD 0.01295 and 0.01297; TOPMed 0.01513; 1000 Genomes Project 30x 0.02358; 1000 Genomes Project 0.02376.

Submission:

Illumina Laboratory Services, Illumina
Classification: Benign for Vitreoretinopathy. Last evaluated: 2018-01-13. Review status: criteria provided, single submitter. Criteria: ICSL Variant Classification Criteria 13 December 2019. Collection method: clinical testing. Allele origin: germline.
Comment: This variant was observed in the ICSL laboratory as part of a predisposition screen in an ostensibly healthy population. It had not been previously curated by ICSL or reported in the Human Gene Mutation Database (HGMD: prior to June 1st, 2018), and was therefore a candidate for classification through an automated scoring system. Utilizing variant allele frequency, disease prevalence and penetrance estimates, and inheritance mode, an automated score was calculated to assess if this variant is too frequent to cause the disease. Based on the score and internal cut-off values, a variant classified as benign is not then subjected to further curation. The score for this variant resulted in a classification of benign for this disease.

NM_004385.5(VCAN):c.*1603T>C

Gene: VCAN (versican; plus strand). Cytogenetic location: 5q14.3.
Variant type: single nucleotide variant.
Coding change: c.*1603T>C on transcript NM_004385.5 (MANE Select); 1603 bases downstream of the stop codon, T replaced by C.
Molecular consequence: 3 prime UTR variant.
Genome position (GRCh38, 1-based): chr5:83,582,037, T>C. VCF-style: chr5-83582037-T-C. GRCh37 (hg19) VCF-style: chr5-82877856-T-C.
Other names: c.*1603T>C (NM_001126336.3, NM_001164097.2, NM_001164098.2).
Identifiers: ClinVar variation 354496 (VCV000354496.6), dbSNP rs10233, ClinGen allele CA10620928.
Genomic context (GRCh38, chr5:83,582,037, plus strand): 5'-TTTTTTATAAAACCTCCTTTGGCTTAGAAGGAATGACTCTAGCTACAATAATACACAGTA[T>C]GTTTAAGCAGGTTCCCTTGGTTGTTGCATTAAATGTAATCCACCTTTAGGTATTTTAGAG-3'